The following is an entry in ClinVar:

ClinVar aggregate classification (germline): Uncertain significance (1 of 4 stars; one submission).

Submission:

Women's Health and Genetics/Laboratory Corporation of America, LabCorp
Classification: Uncertain significance. Last evaluated: 2025-04-21. Review status: criteria provided, single submitter. Criteria: LabCorp Variant Classification Summary - May 2015. Collection method: clinical testing. Allele origin: germline.
Comment: Variant summary: RPE65 c.245G>A (p.Arg82Lys) results in a conservative amino acid change in the encoded protein sequence. Three of five in-silico tools predict a benign effect of the variant on protein function. Several computational tools predict a significant impact on normal splicing: Two predict the variant abolishes a 5' splicing donor site. Two predict the variant weakens a 5' donor site. One predicts the variant strengthens a cryptic 5' donor site. However, these predictions have yet to be confirmed by functional studies. The variant was absent in 251376 control chromosomes. The available data on variant occurrences in the general population are insufficient to allow any conclusion about variant significance. c.245G>A has been observed in at least one individual affected with Leber Congenital Amaurosis (e.g., Kumaran_2018). These data do not allow any conclusion about variant significance. To our knowledge, no experimental evidence demonstrating an impact on protein function has been reported. The following publications have been ascertained in the context of this evaluation (PMID: 29332120, 30025081, 32347917, 38219857). No submitters have cited clinical-significance assessments for this variant to ClinVar. Based on the evidence outlined above, the variant was classified as uncertain significance.

Literature cited by the submitters: PubMed 30025081; PubMed 29332120; PubMed 32347917; PubMed 38219857.

NM_000329.3(RPE65):c.245G>A (p.Arg82Lys)

Gene: RPE65 (retinoid isomerohydrolase RPE65; minus strand). Cytogenetic location: 1p31.3.
Variant type: single nucleotide variant.
Coding change: c.245G>A on transcript NM_000329.3 (MANE Select); coding-DNA position 245, G replaced by A.
Protein change: p.Arg82Lys; replaces arginine 82 with lysine.
Molecular consequence: missense variant. On other transcripts: 5 prime UTR variant (1), intron variant (1).
Genome position (GRCh38, 1-based): chr1:68,446,710, C>T on the plus strand (G>A on the coding strand, the complement: RPE65 is on the minus strand). VCF-style: chr1-68446710-C-T. GRCh37 (hg19) VCF-style: chr1-68912393-C-T.
Other names: c.245G>A, p.Arg82Lys (NM_001406853.1, NM_001406859.1, NM_001406860.1); c.-32G>A (NM_001406857.1); c.-31-1827G>A (NM_001406856.1); short protein forms R82K.
Identifiers: ClinVar variation 3896146 (VCV003896146.2).